The following is an entry in ClinVar:

ClinVar aggregate classification (germline): Uncertain significance (1 of 4 stars; one submission).

Conditions:
Very long chain acyl-CoA dehydrogenase deficiency (ACADVLD). Also called: Very Long-Chain Acyl-Coenzyme A Dehydrogenase Deficiency; VLCAD Deficiency. Identifiers: Orphanet 26793, MedGen C3887523, MONDO:0008723, OMIM 201475.

Allele frequency attached by ClinVar (database versions not stated): gnomAD exomes below 0.00001.
gnomAD v4.1: 1 of 1,614,186 alleles (0.000062%); highest among the groups gnomAD compares: South Asian, 0.0011%; no homozygotes.

Submission:

Labcorp Genetics (formerly Invitae), Labcorp
Classification: Uncertain significance for Very long chain acyl-CoA dehydrogenase deficiency. Last evaluated: 2022-08-20. Review status: criteria provided, single submitter. Criteria: Invitae Variant Classification Sherloc (09022015). Collection method: clinical testing. Allele origin: germline.
Comment: In summary, the available evidence is currently insufficient to determine the role of this variant in disease. Therefore, it has been classified as a Variant of Uncertain Significance. Variants that disrupt the consensus splice site are a relatively common cause of aberrant splicing (PMID: 17576681, 9536098). Algorithms developed to predict the effect of sequence changes on RNA splicing suggest that this variant is not likely to affect RNA splicing. This variant has not been reported in the literature in individuals affected with ACADVL-related conditions. This variant is not present in population databases (gnomAD no frequency). This sequence change falls in intron 8 of the ACADVL gene. It does not directly change the encoded amino acid sequence of the ACADVL protein. It affects a nucleotide within the consensus splice site.

Literature cited by the submitters: PubMed 17576681; PubMed 9536098.

NM_000018.4(ACADVL):c.752+6C>T

Gene: ACADVL (acyl-CoA dehydrogenase very long chain; plus strand). Cytogenetic location: 17p13.1.
Variant type: single nucleotide variant.
Coding change: c.752+6C>T on transcript NM_000018.4 (MANE Select); 6 bases into the intron after coding-DNA position 752, C replaced by T.
Molecular consequence: intron variant.
Genome position (GRCh38, 1-based): chr17:7,222,087, C>T. VCF-style: chr17-7222087-C-T. GRCh37 (hg19) VCF-style: chr17-7125406-C-T.
Other names: c.821+6C>T (NM_001270447.2); c.524+6C>T (NM_001270448.2); c.686+6C>T (NM_001033859.3).
Identifiers: ClinVar variation 2025233 (VCV002025233.4), dbSNP rs2508300675, ClinGen allele CA2580094747.
Genomic context (GRCh38, chr17:7,222,087, plus strand): 5'-TGCCCAGCCCCTGTGGAAAATACTATACCCTCAATGGAAGCAAGCTTTGGATCAGGCAAC[C>T]TGCCTCCCATTTCTCCCCTTCTCCTCCGCCCAATTCCAGGCCCCACTGCTCCCCGTCCTC-3'